The following is an entry in ClinVar:

ClinVar aggregate classification (germline): Conflicting classifications of pathogenicity. Review status: criteria provided, conflicting classifications (1 of 4 stars). 3 submissions from 3 submitters: Uncertain significance (2); Likely benign (1). Last evaluated 2026-01-31.

Conditions:
Inborn genetic diseases. Identifiers: MedGen C0950123, MeSH D030342.
X-linked distal spinal muscular atrophy type 3. Also called: ATP7A-Related Distal Motor Neuropathy; SPINAL MUSCULAR ATROPHY, DISTAL, X-LINKED RECESSIVE; NEURONOPATHY, DISTAL HEREDITARY MOTOR, X-LINKED; NEUROPATHY, DISTAL HEREDITARY MOTOR, X-LINKED. Identifiers: Orphanet 139557, MedGen C1845359, MONDO:0010338, OMIM 300489.
Menkes kinky-hair syndrome (MNK). Also called: Copper transport disease; Menkes Disease; Classic Menkes Disease. Identifiers: Orphanet 565, MedGen C0022716, MONDO:0010651, OMIM 309400.
Cutis laxa, X-linked (OHS). Also called: EDS IX; Occipital horn syndrome. Identifiers: Orphanet 198, MedGen C0268353, MONDO:0010572, OMIM 304150.

Allele frequency attached by ClinVar (database versions not stated): gnomAD exomes below 0.00001 and 0.00002; ExAC 0.00002; gnomAD 0.00002; TOPMed 0.00002.
gnomAD v4.1: 7 of 1,209,698 alleles (0.00058%); highest among the groups gnomAD compares: South Asian, 0.0018%; no homozygotes.

Submissions (3):

Labcorp Genetics (formerly Invitae), Labcorp
Classification: Likely benign for X-linked distal spinal muscular atrophy type 3; Cutis laxa, X-linked; Menkes kinky-hair syndrome. Last evaluated: 2026-01-31. Review status: criteria provided, single submitter. Criteria: Invitae Variant Classification Sherloc (09022015). Collection method: clinical testing. Allele origin: germline.

ARUP Laboratories, Molecular Genetics and Genomics, ARUP Laboratories
Classification: Uncertain significance. Last evaluated: 2024-10-03. Review status: criteria provided, single submitter. Criteria: ARUP Molecular Germline Variant Investigation Process 2024. Collection method: clinical testing. Allele origin: germline.
Comment: The ATP7A c.4352G>A; p.Gly1451Asp variant (rs782232632), to our knowledge, is not reported in the medical literature but is reported in ClinVar (Variation ID: 1138621). This variant is found in the non-Finnish European population with an allele frequency of 0.004% (4/92,707 alleles, including 2 hemizygotes) in the Genome Aggregation Database (v2.1.1). Computational analyses are uncertain whether this variant is neutral or deleterious (REVEL: 0.292). Due to limited information, the clinical significance of this variant is uncertain at this time.

Ambry Genetics
Classification: Uncertain significance for Inborn genetic diseases. Last evaluated: 2022-03-20. Review status: criteria provided, single submitter. Criteria: Ambry Variant Classification Scheme 2023. Collection method: clinical testing. Allele origin: germline.
Comment: The p.G1451D variant (also known as c.4352G>A), located in coding exon 22 of the ATP7A gene, results from a G to A substitution at nucleotide position 4352. The glycine at codon 1451 is replaced by aspartic acid, an amino acid with similar properties. This amino acid position is conserved. In addition, this alteration is predicted to be tolerated by in silico analysis. Since supporting evidence is limited at this time, the clinical significance of this alteration remains unclear.

NM_000052.7(ATP7A):c.4352G>A (p.Gly1451Asp)

Gene: ATP7A (ATPase copper transporting alpha; plus strand). Cytogenetic location: Xq21.1.
Variant type: single nucleotide variant.
Coding change: c.4352G>A on transcript NM_000052.7 (MANE Select); coding-DNA position 4352, G replaced by A.
Protein change: p.Gly1451Asp; replaces glycine 1451 with aspartic acid.
Molecular consequence: missense variant. On other transcripts: non-coding transcript variant (1).
Genome position (GRCh38, 1-based): chrX:78,046,419, G>A. VCF-style: chrX-78046419-G-A. GRCh37 (hg19) VCF-style: chrX-77301916-G-A.
Other names: c.4118G>A, p.Gly1373Asp (NM_001282224.2); short protein forms G1373D, G1451D.
Identifiers: ClinVar variation 1138621 (VCV001138621.12), dbSNP rs782232632, ClinGen allele CA10459546.